The following is an entry in ClinVar:

NM_153603.4(COG7):c.677A>G (p.Lys226Arg)

Gene: COG7 (component of oligomeric golgi complex 7; minus strand). Cytogenetic location: 16p12.2.
Variant type: single nucleotide variant.
Coding change: c.677A>G on transcript NM_153603.4 (MANE Select); coding-DNA position 677, A replaced by G.
Protein change: p.Lys226Arg; replaces lysine 226 with arginine.
Molecular consequence: missense variant.
Genome position (GRCh38, 1-based): chr16:23,434,646, T>C on the plus strand (A>G on the coding strand, the complement: COG7 is on the minus strand). VCF-style: chr16-23434646-T-C. GRCh37 (hg19) VCF-style: chr16-23445967-T-C.
Other names: c.677A>G (NM_153603.3); short protein forms K226R.
Identifiers: ClinVar variation 1989761 (VCV001989761.3), dbSNP rs776595665, ClinGen allele CA7961236.

ClinVar aggregate classification (germline): Uncertain significance. Review status: criteria provided, multiple submitters, no conflicts (2 of 4 stars). 2 submissions from 2 submitters: Uncertain significance (2). Last evaluated 2024-01-17.

Conditions:
Inborn genetic diseases. Identifiers: MedGen C0950123, MeSH D030342.
COG7 congenital disorder of glycosylation (CDG2E). Also called: CONGENITAL DISORDER OF GLYCOSYLATION, TYPE IIe; CDG IIe. Identifiers: Orphanet 79333, MedGen C2931010, MONDO:0012118, OMIM 608779.

Allele frequency attached by ClinVar (database versions not stated): TOPMed below 0.00001; ExAC 0.00001; gnomAD 0.00001; gnomAD exomes 0.00001.
gnomAD v4.1: 13 of 1,612,774 alleles (0.00081%); highest among the groups gnomAD compares: East Asian, 0.0022%; no homozygotes.

Submissions (2):

Ambry Genetics
Classification: Uncertain significance for Inborn genetic diseases. Last evaluated: 2024-01-17. Review status: criteria provided, single submitter. Criteria: Ambry Variant Classification Scheme 2023. Collection method: clinical testing. Allele origin: germline.

Labcorp Genetics (formerly Invitae), Labcorp
Classification: Uncertain significance for COG7 congenital disorder of glycosylation. Last evaluated: 2022-01-15. Review status: criteria provided, single submitter. Criteria: Invitae Variant Classification Sherloc (09022015). Collection method: clinical testing. Allele origin: germline.
Comment: In summary, the available evidence is currently insufficient to determine the role of this variant in disease. Therefore, it has been classified as a Variant of Uncertain Significance. Algorithms developed to predict the effect of sequence changes on RNA splicing suggest that this variant may create or strengthen a splice site. Algorithms developed to predict the effect of missense changes on protein structure and function output the following: SIFT: "Tolerated"; PolyPhen-2: "Benign"; Align-GVGD: "Class C0". The arginine amino acid residue is found in multiple mammalian species, which suggests that this missense change does not adversely affect protein function. This variant has not been reported in the literature in individuals affected with COG7-related conditions. This variant is present in population databases (rs776595665, gnomAD 0.0009%). This sequence change replaces lysine, which is basic and polar, with arginine, which is basic and polar, at codon 226 of the COG7 protein (p.Lys226Arg).